The following is an entry in ClinVar:

ClinVar aggregate classification (germline): Benign/Likely benign. Review status: criteria provided, multiple submitters, no conflicts (2 of 4 stars). 4 submissions from 4 submitters: Benign (2); Likely benign (2). Last evaluated 2026-01-24.

Conditions:
Episodic ataxia type 2 (EA2). Also called: ATAXIA, EPISODIC, WITH NYSTAGMUS; ATAXIA, FAMILIAL PAROXYSMAL; CEREBELLAR ATAXIA, PAROXYSMAL, ACETAZOLAMIDE-RESPONSIVE; CEREBELLOPATHY, HEREDITARY PAROXYSMAL; ACETAZOLAMIDE-RESPONSIVE HEREDITARY PAROXYSMAL CEREBELLAR ATAXIA; EPISODIC ATAXIA, NYSTAGMUS-ASSOCIATED. Identifiers: Orphanet 97, MedGen C1720416, MONDO:0007163, OMIM 108500.
Developmental and epileptic encephalopathy, 42 (DEE42A). Also called: DEVELOPMENTAL AND EPILEPTIC ENCEPHALOPATHY 42A; EPILEPTIC ENCEPHALOPATHY, EARLY INFANTILE, 42A; Epileptic encephalopathy, early infantile, 42. Identifiers: MedGen C4310716, MONDO:0014917, OMIM 617106.
Inborn genetic diseases. Identifiers: MedGen C0950123, MeSH D030342.

Allele frequency attached by ClinVar (database versions not stated): ExAC 0.00016; gnomAD 0.00042; TOPMed 0.00047; 1000 Genomes Project 0.00060; ESP Exome Variant Server 0.00065; 1000 Genomes Project 30x 0.00078.
gnomAD v4.1: 118 of 1,609,700 alleles (0.0073%); highest among the groups gnomAD compares: African/African-American, 0.15%; no homozygotes.

Submissions (4):

Labcorp Genetics (formerly Invitae), Labcorp
Classification: Benign for Developmental and epileptic encephalopathy, 42; Episodic ataxia type 2. Last evaluated: 2026-01-24. Review status: criteria provided, single submitter. Criteria: Invitae Variant Classification Sherloc (09022015). Collection method: clinical testing. Allele origin: germline.

Mayo Clinic Laboratories, Mayo Clinic
Classification: Likely benign. Last evaluated: 2025-04-23. Review status: criteria provided, single submitter. Criteria: ACMG Guidelines, 2015. Collection method: clinical testing. Allele origin: germline. Observed: 1 variant allele.
Comment: BS1, BP4, BP7

GeneDx
Classification: Benign. Last evaluated: 2020-04-28. Review status: criteria provided, single submitter. Criteria: GeneDx Variant Classification Process June 2021. Collection method: clinical testing. Allele origin: germline. Affected: yes.

Ambry Genetics
Classification: Likely benign for Inborn genetic diseases. Last evaluated: 2016-08-08. Review status: criteria provided, single submitter. Criteria: Ambry Variant Classification Scheme 2023. Collection method: clinical testing. Allele origin: germline.

NM_001127222.2(CACNA1A):c.5649C>G (p.Pro1883=)

Gene: CACNA1A (calcium voltage-gated channel subunit alpha1 A; minus strand). Cytogenetic location: 19p13.13.
Variant type: single nucleotide variant.
Coding change: c.5649C>G on transcript NM_001127222.2 (MANE Select); coding-DNA position 5649, C replaced by G.
Protein change: p.Pro1883=; no amino-acid change (proline 1883 retained).
Molecular consequence: synonymous variant.
Genome position (GRCh38, 1-based): chr19:13,224,749, G>C on the plus strand (C>G on the coding strand, the complement: CACNA1A is on the minus strand). VCF-style: chr19-13224749-G-C. GRCh37 (hg19) VCF-style: chr19-13335563-G-C.
Other names: p.Pro1884=; c.5667C>G, p.Pro1889= (NM_000068.4, NM_023035.3); c.5652C>G, p.Pro1884= (NM_001127221.2); c.5658C>G, p.Pro1886= (NM_001174080.2).
Identifiers: ClinVar variation 387481 (VCV000387481.20), dbSNP rs61741139, ClinGen allele CA9239627.